The following is an entry in ClinVar:

ClinVar aggregate classification (germline): Benign/Likely benign. Review status: criteria provided, multiple submitters, no conflicts (2 of 4 stars). 2 submissions from 2 submitters: Benign (1); Likely benign (1). Last evaluated 2024-06-01.

Allele frequency attached by ClinVar (database versions not stated): 1000 Genomes Project 30x 0.00047; 1000 Genomes Project 0.00060; ESP Exome Variant Server 0.00069.
gnomAD v4.1: 152 of 1,581,024 alleles (0.0096%); highest among the groups gnomAD compares: African/African-American, 0.17%; no homozygotes.

Submissions (2):

CeGaT Center for Human Genetics Tuebingen
Classification: Likely benign. Last evaluated: 2024-06-01. Review status: criteria provided, single submitter. Criteria: CeGaT Center For Human Genetics Tuebingen Variant Classification Criteria Version 2. Collection method: clinical testing. Allele origin: germline. Affected: yes. Observed: 1 variant allele.
Comment: TRIO: BP4, BS1

GeneDx
Classification: Benign. Last evaluated: 2020-12-25. Review status: criteria provided, single submitter. Criteria: GeneDx Variant Classification Process June 2021. Collection method: clinical testing. Allele origin: germline. Affected: yes.

NM_007118.4(TRIO):c.4311+4T>G

Gene: TRIO (trio Rho guanine nucleotide exchange factor; plus strand). Cytogenetic location: 5p15.2.
Variant type: single nucleotide variant.
Coding change: c.4311+4T>G on transcript NM_007118.4 (MANE Select); 4 bases into the intron after coding-DNA position 4311, T replaced by G.
Molecular consequence: intron variant.
Genome position (GRCh38, 1-based): chr5:14,394,134, T>G. VCF-style: chr5-14394134-T-G. GRCh37 (hg19) VCF-style: chr5-14394243-T-G.
Identifiers: ClinVar variation 1237825 (VCV001237825.21), dbSNP rs199551032, ClinGen allele CA3206435.